The following is an entry in ClinVar:

NM_003803.4(MYOM1):c.3427G>A (p.Glu1143Lys)

Gene: MYOM1 (myomesin 1; minus strand). Cytogenetic location: 18p11.31.
Variant type: single nucleotide variant.
Coding change: c.3427G>A on transcript NM_003803.4 (MANE Select); coding-DNA position 3427, G replaced by A.
Protein change: p.Glu1143Lys; replaces glutamic acid 1143 with lysine.
Molecular consequence: missense variant.
Genome position (GRCh38, 1-based): chr18:3,102,622, C>T on the plus strand (G>A on the coding strand, the complement: MYOM1 is on the minus strand). VCF-style: chr18-3102622-C-T. GRCh37 (hg19) VCF-style: chr18-3102620-C-T.
Other names: c.3139G>A, p.Glu1047Lys (NM_019856.2); short protein forms E1047K, E1143K.
Identifiers: ClinVar variation 3916554 (VCV003916554.1).

ClinVar aggregate classification (germline): Uncertain significance (1 of 4 stars; one submission).

Submission:

Ambry Genetics
Classification: Uncertain significance. Last evaluated: 2025-04-30. Review status: criteria provided, single submitter. Criteria: Ambry Variant Classification Scheme 2023. Collection method: clinical testing. Allele origin: germline.
Comment: The p.E1143K variant (also known as c.3427G>A), located in coding exon 22 of the MYOM1 gene, results from a G to A substitution at nucleotide position 3427. The glutamic acid at codon 1143 is replaced by lysine, an amino acid with similar properties. This amino acid position is conserved. In addition, the in silico prediction for this alteration is inconclusive. Based on the available evidence, the clinical significance of this variant remains unclear.